The following is an entry in ClinVar:

NM_000268.4(NF2):c.668C>T (p.Ala223Val)

Gene: NF2 (NF2, moesin-ezrin-radixin like (MERLIN) tumor suppressor; plus strand). Cytogenetic location: 22q12.2.
Variant type: single nucleotide variant.
Coding change: c.668C>T on transcript NM_000268.4 (MANE Select); coding-DNA position 668, C replaced by T.
Protein change: p.Ala223Val; replaces alanine 223 with valine.
Molecular consequence: missense variant. On other transcripts: intron variant (1).
Genome position (GRCh38, 1-based): chr22:29,658,257, C>T. VCF-style: chr22-29658257-C-T. GRCh37 (hg19) VCF-style: chr22-30054246-C-T.
Other names: c.554C>T, p.Ala185Val (NM_001407053.1, NM_001407056.1); c.545C>T, p.Ala182Val (NM_001407054.1, NM_001407058.1, NM_001407062.1 and 1 more transcripts); c.542C>T, p.Ala181Val (NM_001407055.1, NM_181828.3); c.668C>T, p.Ala223Val (NM_001407057.1, NM_001407059.1, NM_001407060.1 and 4 more transcripts); c.419C>T, p.Ala140Val (NM_001407063.1, NM_001407064.1, NM_181830.3 and 1 more transcripts); c.134C>T, p.Ala45Val (NM_001407065.1); c.437C>T, p.Ala146Val (NM_001407067.1); c.447+15972C>T (NM_181833.3); short protein forms A140V, A146V, A181V, A185V, A223V, A45V, A182V.
Identifiers: ClinVar variation 2896145 (VCV002896145.5), dbSNP rs2146990824, ClinGen allele CA411143124.

ClinVar aggregate classification (germline): Uncertain significance. Review status: criteria provided, multiple submitters, no conflicts (2 of 4 stars). 3 submissions from 3 submitters: Uncertain significance (3). Last evaluated 2024-12-29.

Conditions:
Hereditary cancer-predisposing syndrome. Also called: Hereditary neoplastic syndrome; Neoplastic Syndromes, Hereditary; Tumor predisposition; Hereditary Cancer Syndrome. Identifiers: Orphanet 140162, MedGen C0027672, MeSH D009386, MONDO:0015356.
Neurofibromatosis, type 2 (SWNV). Also called: NF2-Related Schwannomatosis; BILATERAL ACOUSTIC NEUROFIBROMATOSIS; SCHWANNOMATOSIS, VESTIBULAR. Identifiers: Orphanet 637, MedGen C0027832, MONDO:0007039, OMIM 101000. Disease mechanism: loss of function.

Submissions (3):

Ambry Genetics
Classification: Uncertain significance for Hereditary cancer-predisposing syndrome. Last evaluated: 2024-12-29. Review status: criteria provided, single submitter. Criteria: Ambry Variant Classification Scheme 2023. Collection method: clinical testing. Allele origin: germline.
Comment: The p.A223V variant (also known as c.668C>T), located in coding exon 7 of the NF2 gene, results from a C to T substitution at nucleotide position 668. The alanine at codon 223 is replaced by valine, an amino acid with similar properties. This amino acid position is conserved. In addition, this alteration is predicted to be tolerated by in silico analysis. Based on the available evidence, the clinical significance of this variant remains unclear.

GeneDx
Classification: Uncertain significance. Last evaluated: 2023-06-21. Review status: criteria provided, single submitter. Criteria: GeneDx Variant Classification Process June 2021. Collection method: clinical testing. Allele origin: germline. Affected: yes.
Comment: Not observed at significant frequency in large population cohorts (gnomAD); In silico analysis supports that this missense variant does not alter protein structure/function; Has not been previously published as pathogenic or benign to our knowledge; This variant is associated with the following publications: (PMID: 11756419, 16324214)

Labcorp Genetics (formerly Invitae), Labcorp
Classification: Uncertain significance for Neurofibromatosis, type 2. Last evaluated: 2023-04-06. Review status: criteria provided, single submitter. Criteria: Invitae Variant Classification Sherloc (09022015). Collection method: clinical testing. Allele origin: germline.
Comment: In summary, the available evidence is currently insufficient to determine the role of this variant in disease. Therefore, it has been classified as a Variant of Uncertain Significance. RNA analysis performed to evaluate the impact of this missense change on mRNA splicing indicates it does not significantly alter splicing (Invitae). Advanced modeling of protein sequence and biophysical properties (such as structural, functional, and spatial information, amino acid conservation, physicochemical variation, residue mobility, and thermodynamic stability) performed at Invitae indicates that this missense variant is not expected to disrupt NF2 protein function. This variant has not been reported in the literature in individuals affected with NF2-related conditions. This variant is not present in population databases (gnomAD no frequency). This sequence change replaces alanine, which is neutral and non-polar, with valine, which is neutral and non-polar, at codon 223 of the NF2 protein (p.Ala223Val).